The following is an entry in ClinVar:

ClinVar aggregate classification (germline): Conflicting classifications of pathogenicity. Review status: criteria provided, conflicting classifications (1 of 4 stars). 4 submissions from 4 submitters: Uncertain significance (2); Likely benign (2). Last evaluated 2026-08-27.

Conditions:
JAG1-related disorder. Also called: JAG1-related disorders; JAG1-related condition.
Alagille syndrome due to a JAG1 point mutation. Also called: Alagille Syndrome 1; HEPATIC DUCTULAR HYPOPLASIA, SYNDROMATIC; JAG1-Related Alagille Syndrome. Identifiers: Orphanet 261619, Orphanet 52, MedGen C1956125, MONDO:0016862, OMIM 118450.
Deafness, congenital heart defects, and posterior embryotoxon (DCHE). Identifiers: MedGen C1866053, MONDO:0060713, OMIM 617992.
Charcot-Marie-Tooth disease, axonal, Type 2HH. Also called: CHARCOT-MARIE-TOOTH NEUROPATHY, TYPE 2HH. Identifiers: MedGen C5562003, MONDO:0030458, OMIM 619574.
Tetralogy of Fallot (TOF). Identifiers: Orphanet 3303, MedGen C0039685, MONDO:0008542, OMIM 187500, HP:0001636.

Allele frequency attached by ClinVar (database versions not stated): gnomAD exomes below 0.00001 and 0.00001; TOPMed 0.00002; gnomAD 0.00003.
gnomAD v4.1: 12 of 1,614,040 alleles (0.00074%); highest among the groups gnomAD compares: African/African-American, 0.0013%; no homozygotes.

Submissions (4):

PreventionGenetics, part of Exact Sciences
Classification: Uncertain significance for JAG1-related condition. Last evaluated: 2026-08-27. Review status: criteria provided, single submitter. Criteria: ACMG Guidelines, 2015. Collection method: clinical testing. Allele origin: germline.
Comment: The JAG1 c.2307C>T variant is not predicted to result in an amino acid change (p.=). This variant is predicted to alter splicing based on available splicing prediction software (SpliceAI, Jaganathan et al. 2019. PubMed ID: 30661751). However, the use of computer prediction software is not equivalent to functional evidence. To our knowledge, this variant has not been reported in the literature. This variant is reported in 0.00088% of alleles in individuals of European (Non-Finnish) descent in gnomAD. At this time, the clinical significance of this variant is uncertain due to the absence of conclusive functional and genetic evidence.

Labcorp Genetics (formerly Invitae), Labcorp
Classification: Likely benign for Alagille syndrome due to a JAG1 point mutation. Last evaluated: 2025-12-14. Review status: criteria provided, single submitter. Criteria: Invitae Variant Classification Sherloc (09022015). Collection method: clinical testing. Allele origin: germline.

Fulgent Genetics
Classification: Uncertain significance for Alagille syndrome due to a JAG1 point mutation; Tetralogy of Fallot; Deafness, congenital heart defects, and posterior embryotoxon; Charcot-Marie-Tooth disease, axonal, Type 2HH. Last evaluated: 2024-03-04. Review status: criteria provided, single submitter. Criteria: ACMG Guidelines, 2015. Collection method: clinical testing. Allele origin: germline.

Blueprint Genetics
Classification: Likely benign. Last evaluated: 2021-08-25. Review status: criteria provided, single submitter. Criteria: ACMG Guidelines, 2015. Collection method: clinical testing. Allele origin: germline.

NM_000214.3(JAG1):c.2307C>T (p.Val769=)

Gene: JAG1 (jagged canonical Notch ligand 1; minus strand). Cytogenetic location: 20p12.2.
Variant type: single nucleotide variant.
Coding change: c.2307C>T on transcript NM_000214.3 (MANE Select); coding-DNA position 2307, C replaced by T.
Protein change: p.Val769=; no amino-acid change (valine 769 retained).
Molecular consequence: synonymous variant.
Genome position (GRCh38, 1-based): chr20:10,644,900, G>A on the plus strand (C>T on the coding strand, the complement: JAG1 is on the minus strand). VCF-style: chr20-10644900-G-A. GRCh37 (hg19) VCF-style: chr20-10625548-G-A.
Other names: c.2307C>T (NM_000214.2).
Identifiers: ClinVar variation 1391107 (VCV001391107.12), dbSNP rs1009422076, ClinGen allele CA311345329.